The following is an entry in ClinVar:

NM_000038.6(APC):c.3894del (p.Ala1299fs)

Gene: APC (APC regulator of Wnt signaling pathway; plus strand). Cytogenetic location: 5q22.2.
Variant type: Deletion.
Coding change: c.3894del on transcript NM_000038.6 (MANE Select); coding-DNA position 3894, one base deleted (T; older notation c.3894delT).
Protein change: p.Ala1299fs; shifts the reading frame from alanine 1299.
Molecular consequence: frameshift variant. On other transcripts: non-coding transcript variant (2).
Genome position (GRCh38, 1-based): chr5:112,839,488, T deleted. VCF-style (leftmost placement, unchanged base first): chr5-112839487-CT-C. GRCh37 (hg19) VCF-style: chr5-112175184-CT-C.
Other names: c.3894del, p.Ala1299fs (NM_001127510.3, NM_001354895.2, NM_001407450.1); c.3840del, p.Ala1281fs (NM_001127511.3); c.3948del, p.Ala1317fs (NM_001354896.2, NM_001407447.1, NM_001407448.1 and 1 more transcripts); c.3924del, p.Ala1309fs (NM_001354897.2); c.3819del, p.Ala1274fs (NM_001354898.2); c.3810del, p.Ala1271fs (NM_001354899.2); c.3771del, p.Ala1258fs (NM_001354900.2); c.3717del, p.Ala1240fs (NM_001354901.2, NM_001407453.1); and 11 more; short protein forms A1016fs, A1139fs, A1170fs, A1173fs, A1198fs, A1208fs, A1216fs, A1240fs.
Identifiers: ClinVar variation 2584000 (VCV002584000.3), dbSNP rs2533532595, ClinGen allele CA2582341542.

ClinVar aggregate classification (germline): Pathogenic. Review status: criteria provided, multiple submitters, no conflicts (2 of 4 stars). 2 submissions from 2 submitters: Pathogenic (2). Last evaluated 2025-10-09.

Conditions:
Familial adenomatous polyposis 1 (FAP1). Also called: FAMILIAL ADENOMATOUS POLYPOSIS 1, ATTENUATED; POLYPOSIS, ADENOMATOUS INTESTINAL. Identifiers: MedGen C2713442, MONDO:0021056, OMIM 175100. Disease mechanism: loss of function.

Submissions (2):

Labcorp Genetics (formerly Invitae), Labcorp
Classification: Pathogenic for Familial adenomatous polyposis 1. Last evaluated: 2025-10-09. Review status: criteria provided, single submitter. Criteria: Invitae Variant Classification Sherloc (09022015). Collection method: clinical testing. Allele origin: germline.
Comment: This sequence change creates a premature translational stop signal (p.Ala1299Leufs*6) in the APC gene. While this is not anticipated to result in nonsense mediated decay, it is expected to disrupt the last 1545 amino acid(s) of the APC protein. This variant is not present in population databases (gnomAD no frequency). This premature translational stop signal has been observed in individual(s) with hepatoblastoma (PMID: 29251405). ClinVar contains an entry for this variant (Variation ID: 2584000). This variant is expected to disrupt the EB1 and HDLG binding sites, which mediate interactions with the cytoskeleton (PMID: 15311282, 17293347). While functional studies have not been performed to directly test the effect on APC protein function, this suggests that disruption of the C-terminal portion of the protein is functionally important. A different truncation (p.Tyr2645Lysfs*14) that lies downstream of this variant has been determined to be pathogenic (PMID: 9824584, 1316610, 27081525, 8381579, 22135120, internal data). This suggests that deletion of this region of the APC protein is causative of disease. For these reasons, this variant has been classified as Pathogenic.

Myriad Genetics, Inc.
Classification: Pathogenic for Familial adenomatous polyposis 1. Last evaluated: 2023-05-09. Review status: criteria provided, single submitter. Criteria: Myriad Autosomal Dominant, Autosomal Recessive and X-Linked Classification Criteria (2023). Collection method: clinical testing. Allele origin: unknown.
Comment: This variant is considered pathogenic. This variant creates a frameshift predicted to result in premature protein truncation.

Literature cited by the submitters: PubMed 29251405 (cited by Labcorp Genetics (formerly Invitae), Labcorp); PubMed 15311282 (cited by Labcorp Genetics (formerly Invitae), Labcorp); PubMed 17293347 (cited by Labcorp Genetics (formerly Invitae), Labcorp); PubMed 9824584 (cited by Labcorp Genetics (formerly Invitae), Labcorp); PubMed 1316610 (cited by Labcorp Genetics (formerly Invitae), Labcorp); PubMed 27081525 (cited by Labcorp Genetics (formerly Invitae), Labcorp); PubMed 8381579 (cited by Labcorp Genetics (formerly Invitae), Labcorp); PubMed 22135120 (cited by Labcorp Genetics (formerly Invitae), Labcorp).